The following is an entry in ClinVar:

ClinVar aggregate classification (germline): Likely pathogenic (1 of 4 stars; one submission).

Conditions:
Inborn genetic diseases. Identifiers: MedGen C0950123, MeSH D030342.

Submission:

Ambry Genetics
Classification: Likely pathogenic for Inborn genetic diseases. Last evaluated: 2025-07-22. Review status: criteria provided, single submitter. Criteria: Ambry Variant Classification Scheme 2023. Collection method: clinical testing. Allele origin: germline.
Comment: The c.2148+1G>A intronic alteration results from a G to A substitution one nucleotide after coding exon 16 of the TAOK1 gene. Alterations that disrupt the canonical splice donor site are expected to result in aberrant splicing. The resulting transcript is predicted to be in-frame and is not expected to trigger nonsense-mediated mRNA decay. This variant was not reported in population-based cohorts in the Genome Aggregation Database (gnomAD). This nucleotide position is highly conserved in available vertebrate species. In silico splice site analysis predicts that this alteration will weaken the native splice donor site and may result in the creation or strengthening of a novel splice donor site. Based on the available evidence, this alteration is classified as likely pathogenic.

NM_020791.4(TAOK1):c.2148+1G>A

Gene: TAOK1 (TAO kinase 1; plus strand). Cytogenetic location: 17q11.2.
Variant type: single nucleotide variant.
Coding change: c.2148+1G>A on transcript NM_020791.4 (MANE Select); the canonical splice donor site of the intron after coding-DNA position 2148, G replaced by A.
Molecular consequence: splice donor variant. On other transcripts: intron variant (1).
Genome position (GRCh38, 1-based): chr17:29,522,520, G>A. VCF-style: chr17-29522520-G-A. GRCh37 (hg19) VCF-style: chr17-27849538-G-A.
Other names: c.1705-7887G>A (NM_025142.1).
Identifiers: ClinVar variation 4179951 (VCV004179951.1).